The following is an entry in ClinVar:

ClinVar aggregate classification (germline): Uncertain significance (1 of 4 stars; one submission).

Conditions:
Hereditary cancer-predisposing syndrome. Also called: Neoplastic Syndromes, Hereditary; Hereditary neoplastic syndrome; Tumor predisposition; Hereditary Cancer Syndrome. Identifiers: Orphanet 140162, MedGen C0027672, MeSH D009386, MONDO:0015356.

Submission:

Ambry Genetics
Classification: Uncertain significance for Hereditary cancer-predisposing syndrome. Last evaluated: 2022-11-17. Review status: criteria provided, single submitter. Criteria: Ambry Variant Classification Scheme 2023. Collection method: clinical testing. Allele origin: germline.
Comment: The p.M24R variant (also known as c.71T>G), located in coding exon 1 of the DICER1 gene, results from a T to G substitution at nucleotide position 71. The methionine at codon 24 is replaced by arginine, an amino acid with similar properties. This amino acid position is conserved. In addition, this alteration is predicted to be deleterious by in silico analysis. Since supporting evidence is limited at this time, the clinical significance of this alteration remains unclear.

NM_177438.3(DICER1):c.71T>G (p.Met24Arg)

Gene: DICER1 (dicer 1, ribonuclease III; minus strand). Cytogenetic location: 14q32.13.
Variant type: single nucleotide variant.
Coding change: c.71T>G on transcript NM_177438.3 (MANE Select); coding-DNA position 71, T replaced by G.
Protein change: p.Met24Arg; replaces methionine 24 with arginine.
Molecular consequence: missense variant. On other transcripts: 5 prime UTR variant (8), non-coding transcript variant (6), intron variant (1).
Genome position (GRCh38, 1-based): chr14:95,133,388, A>C on the plus strand (T>G on the coding strand, the complement: DICER1 is on the minus strand). VCF-style: chr14-95133388-A-C. GRCh37 (hg19) VCF-style: chr14-95599725-A-C.
Other names: c.71T>G, p.Met24Arg (NM_001195573.1, NM_001271282.3, NM_001291628.2 and 15 more transcripts); c.-204T>G (NM_001395686.1, NM_001395688.1, NM_001395689.1 and 3 more transcripts); c.-388T>G (NM_001395691.1); c.-1498T>G (NM_001395697.1); c.-130-711T>G (NM_001395687.1); short protein forms M24R.
Identifiers: ClinVar variation 2472478 (VCV002472478.2), dbSNP rs1349780844, ClinGen allele CA390890574.